The following is an entry in ClinVar:

ClinVar aggregate classification (germline): Uncertain significance (1 of 4 stars; one submission).

Conditions:
Early Myoclonic Encephalopathy. Identifiers: MedGen C0270855.

Allele frequency attached by ClinVar (database versions not stated): gnomAD exomes below 0.00001; gnomAD 0.00001.
gnomAD v4.1: 2 of 1,614,070 alleles (0.00012%); highest among the groups gnomAD compares: East Asian, 0.0045%; no homozygotes.

Submission:

Labcorp Genetics (formerly Invitae), Labcorp
Classification: Uncertain significance for Early Myoclonic Encephalopathy. Last evaluated: 2023-03-11. Review status: criteria provided, single submitter. Criteria: Invitae Variant Classification Sherloc (09022015). Collection method: clinical testing. Allele origin: germline.
Comment: In summary, the available evidence is currently insufficient to determine the role of this variant in disease. Therefore, it has been classified as a Variant of Uncertain Significance. Advanced modeling of protein sequence and biophysical properties (such as structural, functional, and spatial information, amino acid conservation, physicochemical variation, residue mobility, and thermodynamic stability) performed at Invitae indicates that this missense variant is expected to disrupt JMJD1C protein function. This variant has not been reported in the literature in individuals affected with JMJD1C-related conditions. This variant is present in population databases (no rsID available, gnomAD 0.01%). This sequence change replaces serine, which is neutral and polar, with cysteine, which is neutral and slightly polar, at codon 1409 of the JMJD1C protein (p.Ser1409Cys).

NM_032776.3(JMJD1C):c.4226C>G (p.Ser1409Cys)

Gene: JMJD1C (jumonji domain containing 1C; minus strand). Cytogenetic location: 10q21.3.
Variant type: single nucleotide variant.
Coding change: c.4226C>G on transcript NM_032776.3 (MANE Select); coding-DNA position 4226, C replaced by G.
Protein change: p.Ser1409Cys; replaces serine 1409 with cysteine.
Molecular consequence: missense variant. On other transcripts: non-coding transcript variant (1).
Genome position (GRCh38, 1-based): chr10:63,207,443, G>C on the plus strand (C>G on the coding strand, the complement: JMJD1C is on the minus strand). VCF-style: chr10-63207443-G-C. GRCh37 (hg19) VCF-style: chr10-64967203-G-C.
Other names: c.3680C>G, p.Ser1227Cys (NM_001282948.2, NM_001318154.2); c.3362C>G, p.Ser1121Cys (NM_001318153.2); c.4112C>G, p.Ser1371Cys (NM_001322252.2); c.3569C>G, p.Ser1190Cys (NM_001322254.2, NM_001322258.2); short protein forms S1121C, S1190C, S1227C, S1409C, S1371C.
Identifiers: ClinVar variation 2795540 (VCV002795540.3), dbSNP rs1468167929, ClinGen allele CA377038237.